The following is an entry in ClinVar:

ClinVar aggregate classification (germline): Uncertain significance. Review status: criteria provided, multiple submitters, no conflicts (2 of 4 stars). 2 submissions from 2 submitters: Uncertain significance (2). Last evaluated 2024-12-21.

Conditions:
Cardiovascular phenotype. Identifiers: MedGen CN230736.
Long QT syndrome (LQTS). Identifiers: MedGen C0023976, MeSH D008133, MONDO:0002442. Disease mechanism: loss of function. Inheritance: Various modes of inheritance.

Allele frequency attached by ClinVar (database versions not stated): gnomAD exomes 0.00001.
gnomAD v4.1: 8 of 1,614,150 alleles (0.0005%); highest among the groups gnomAD compares: Non-Finnish European, 0.00068%; no homozygotes.

Submissions (2):

Ambry Genetics
Classification: Uncertain significance for Cardiovascular phenotype. Last evaluated: 2024-12-21. Review status: criteria provided, single submitter. Criteria: Ambry Variant Classification Scheme 2023. Collection method: clinical testing. Allele origin: germline.
Comment: The p.T1236S variant (also known as c.3707C>G), located in coding exon 31 of the ANK2 gene, results from a C to G substitution at nucleotide position 3707. The threonine at codon 1236 is replaced by serine, an amino acid with similar properties. This amino acid position is conserved. In addition, the in silico prediction for this alteration is inconclusive. Based on the available evidence, the clinical significance of this variant remains unclear.

Labcorp Genetics (formerly Invitae), Labcorp
Classification: Uncertain significance for Long QT syndrome. Last evaluated: 2020-11-25. Review status: criteria provided, single submitter. Criteria: Invitae Variant Classification Sherloc (09022015). Collection method: clinical testing. Allele origin: germline.
Comment: In summary, the available evidence is currently insufficient to determine the role of this variant in disease. Therefore, it has been classified as a Variant of Uncertain Significance. Algorithms developed to predict the effect of missense changes on protein structure and function are either unavailable or do not agree on the potential impact of this missense change (SIFT: "Tolerated"; PolyPhen-2: "Probably Damaging"; Align-GVGD: "Class C0"). This variant has not been reported in the literature in individuals with ANK2-related conditions. This variant is not present in population databases (ExAC no frequency). This sequence change replaces threonine with serine at codon 1236 of the ANK2 protein (p.Thr1236Ser). The threonine residue is highly conserved and there is a small physicochemical difference between threonine and serine.

NM_001148.6(ANK2):c.3707C>G (p.Thr1236Ser)

Gene: ANK2 (ankyrin 2; plus strand). Cytogenetic location: 4q26.
Variant type: single nucleotide variant.
Coding change: c.3707C>G on transcript NM_001148.6 (MANE Select); coding-DNA position 3707, C replaced by G.
Protein change: p.Thr1236Ser; replaces threonine 1236 with serine.
Molecular consequence: missense variant.
Genome position (GRCh38, 1-based): chr4:113,336,692, C>G. VCF-style: chr4-113336692-C-G. GRCh37 (hg19) VCF-style: chr4-114257848-C-G.
Other names: c.3680C>G, p.Thr1227Ser (NM_001127493.3); c.3719C>G, p.Thr1240Ser (NM_001354225.2); c.3608C>G, p.Thr1203Ser (NM_001354228.2, NM_001354258.2); c.3686C>G, p.Thr1229Ser (NM_001354230.2); c.3749C>G, p.Thr1250Ser (NM_001354231.2, NM_001354242.2); c.3743C>G, p.Thr1248Ser (NM_001354232.2); c.3704C>G, p.Thr1235Ser (NM_001354235.2, NM_001354246.2, NM_001354265.2); c.3605C>G, p.Thr1202Ser (NM_001354236.2); and 32 more; short protein forms T1075S, T1136S, T1203S, T1219S, T1251S, T1149S, T1161S, T1182S.
Identifiers: ClinVar variation 1367712 (VCV001367712.9), dbSNP rs2093587081, ClinGen allele CA357938619.